The following is an entry in ClinVar:

ClinVar aggregate classification (germline): Likely benign (1 of 4 stars; one submission).

gnomAD v4.1: 34 of 1,613,900 alleles (0.0021%); highest among the groups gnomAD compares: South Asian, 0.0088%; no homozygotes.

Submission:

CeGaT Center for Human Genetics Tuebingen
Classification: Likely benign. Last evaluated: 2026-01-01. Review status: criteria provided, single submitter. Criteria: CeGaT Center For Human Genetics Tuebingen Variant Classification Criteria Version 2. Collection method: clinical testing. Allele origin: germline. Affected: yes. Observed: 1 variant allele.
Comment: RFX3: BP4, BP7

NM_001282116.2(RFX3):c.1713G>A (p.Ala571=)

Gene: RFX3 (regulatory factor X3; minus strand). Cytogenetic location: 9p24.2.
Variant type: single nucleotide variant.
Coding change: c.1713G>A on transcript NM_001282116.2 (MANE Select); coding-DNA position 1713, G replaced by A.
Protein change: p.Ala571=; no amino-acid change (alanine 571 retained).
Molecular consequence: synonymous variant.
Genome position (GRCh38, 1-based): chr9:3,257,092, C>T on the plus strand (G>A on the coding strand, the complement: RFX3 is on the minus strand). VCF-style: chr9-3257092-C-T. GRCh37 (hg19) VCF-style: chr9-3257092-C-T.
Other names: c.1713G>A, p.Ala571= (NM_001377999.1, NM_002919.4, NM_134428.3).
Identifiers: ClinVar variation 4822277 (VCV004822277.4).